The following is an entry in ClinVar:

NM_015512.5(DNAH1):c.11035C>G (p.Pro3679Ala)

Gene: DNAH1 (dynein axonemal heavy chain 1; plus strand). Cytogenetic location: 3p21.1.
Variant type: single nucleotide variant.
Coding change: c.11035C>G on transcript NM_015512.5 (MANE Select); coding-DNA position 11035, C replaced by G.
Protein change: p.Pro3679Ala; replaces proline 3679 with alanine.
Molecular consequence: missense variant.
Genome position (GRCh38, 1-based): chr3:52,395,374, C>G. VCF-style: chr3-52395374-C-G. GRCh37 (hg19) VCF-style: chr3-52429390-C-G.
Other names: short protein forms P3679A.
Identifiers: ClinVar variation 577801 (VCV000577801.6), dbSNP rs771205798, ClinGen allele CA74785511.

ClinVar aggregate classification (germline): Uncertain significance (1 of 4 stars; one submission).

Conditions:
Spermatogenic failure 18. Identifiers: MedGen C4539783, MONDO:0054615, OMIM 617576.
Ciliary dyskinesia, primary, 37 (CILD37). Also called: CILIARY DYSKINESIA, PRIMARY, 37, WITH OR WITHOUT SITUS INVERSUS. Identifiers: MedGen C4539798, MONDO:0033204, OMIM 617577.

Allele frequency attached by ClinVar (database versions not stated): gnomAD exomes below 0.00001; TOPMed 0.00001.
gnomAD v4.1: 2 of 1,613,870 alleles (0.00012%); highest among the groups gnomAD compares: Non-Finnish European, 0.00017%; no homozygotes.

Submission:

Labcorp Genetics (formerly Invitae), Labcorp
Classification: Uncertain significance for Ciliary dyskinesia, primary, 37; Spermatogenic failure 18. Last evaluated: 2018-03-08. Review status: criteria provided, single submitter. Criteria: Invitae Variant Classification Sherloc (09022015). Collection method: clinical testing. Allele origin: germline.
Comment: This sequence change replaces proline with alanine at codon 3679 of the DNAH1 protein (p.Pro3679Ala). The proline residue is highly conserved and there is a small physicochemical difference between proline and alanine. In summary, the available evidence is currently insufficient to determine the role of this variant in disease. Therefore, it has been classified as a Variant of Uncertain Significance. Algorithms developed to predict the effect of sequence changes on RNA splicing suggest that this variant may create or strengthen a splice site, but this prediction has not been confirmed by published transcriptional studies. Algorithms developed to predict the effect of missense changes on protein structure and function do not agree on the potential impact of this missense change (SIFT: "Deleterious"; PolyPhen-2: "Benign"; Align-GVGD: "Class C0"). This variant has not been reported in the literature in individuals with DNAH1-related disease. This variant is not present in population databases (ExAC no frequency).